The following is an entry in ClinVar:

NM_004172.5(SLC1A3):c.1025G>A (p.Arg342Gln)

Genes: SLC1A3 (solute carrier family 1 member 3; plus strand), SLC1A3-AS1 (SLC1A3 antisense RNA 1; minus strand). Cytogenetic location: 5p13.2.
Variant type: single nucleotide variant.
Coding change: c.1025G>A on transcript NM_004172.5 (MANE Select); coding-DNA position 1025, G replaced by A.
Protein change: p.Arg342Gln; replaces arginine 342 with glutamine.
Molecular consequence: missense variant.
Genome position (GRCh38, 1-based): chr5:36,679,791, G>A. VCF-style: chr5-36679791-G-A. GRCh37 (hg19) VCF-style: chr5-36679893-G-A.
Other names: c.1025G>A (NM_004172.4); c.689G>A, p.Arg230Gln (NM_001289940.2); c.1025G>A, p.Arg342Gln (NM_001166695.3); c.887G>A, p.Arg296Gln (NM_001289939.2); short protein forms R230Q, R296Q, R342Q.
Identifiers: ClinVar variation 1675981 (VCV001675981.41), dbSNP rs780762087, ClinGen allele CA3235593.

ClinVar aggregate classification (germline): Uncertain significance. Review status: criteria provided, multiple submitters, no conflicts (2 of 4 stars). 4 submissions from 4 submitters: Uncertain significance (4). Last evaluated 2026-01-12.

Conditions:
Inborn genetic diseases. Identifiers: MedGen C0950123, MeSH D030342.
Episodic ataxia type 6. Identifiers: Orphanet 209967, MedGen C2675211, MONDO:0012982, OMIM 612656.

Allele frequency attached by ClinVar (database versions not stated): gnomAD 0.00001; ExAC 0.00002; gnomAD exomes 0.00002; TOPMed 0.00006.
gnomAD v4.1: 27 of 1,613,988 alleles (0.0017%); highest among the groups gnomAD compares: East Asian, 0.0067%; no homozygotes.

Submissions (4):

Labcorp Genetics (formerly Invitae), Labcorp
Classification: Uncertain significance. Last evaluated: 2026-01-12. Review status: criteria provided, single submitter. Criteria: Invitae Variant Classification Sherloc (09022015). Collection method: clinical testing. Allele origin: germline.
Comment: This sequence change replaces arginine, which is basic and polar, with glutamine, which is neutral and polar, at codon 342 of the SLC1A3 protein (p.Arg342Gln). This variant is present in population databases (rs780762087, gnomAD 0.009%). This variant has not been reported in the literature in individuals affected with SLC1A3-related conditions. ClinVar contains an entry for this variant (Variation ID: 1675981). Invitae Evidence Modeling of protein sequence and biophysical properties (such as structural, functional, and spatial information, amino acid conservation, physicochemical variation, residue mobility, and thermodynamic stability) indicates that this missense variant is not expected to disrupt SLC1A3 protein function with a negative predictive value of 80%. In summary, the available evidence is currently insufficient to determine the role of this variant in disease. Therefore, it has been classified as a Variant of Uncertain Significance.

Revvity Omics, Revvity
Classification: Uncertain significance for Episodic ataxia type 6. Last evaluated: 2023-12-20. Review status: criteria provided, single submitter. Criteria: ACMG Guidelines, 2015. Collection method: clinical testing. Allele origin: germline.

CeGaT Center for Human Genetics Tuebingen
Classification: Uncertain significance. Last evaluated: 2022-02-01. Review status: criteria provided, single submitter. Criteria: CeGaT Center For Human Genetics Tuebingen Variant Classification Criteria Version 2. Collection method: clinical testing. Allele origin: germline. Affected: yes. Observed: 1 variant allele.

Ambry Genetics
Classification: Uncertain significance for Inborn genetic diseases. Last evaluated: 2022-01-13. Review status: criteria provided, single submitter. Criteria: Ambry Variant Classification Scheme 2023. Collection method: clinical testing. Allele origin: germline.